The following is an entry in ClinVar:

ClinVar aggregate classification (germline): Pathogenic/Likely pathogenic. Review status: criteria provided, multiple submitters, no conflicts (2 of 4 stars). 3 submissions from 3 submitters: Pathogenic (1); Likely pathogenic (2). Last evaluated 2024-05-02.

Conditions:
Tyrosinemia type I (TYRSN1). Also called: Tyrosinemia type 1; Fumarylacetoacetase deficiency; Deficiency of fumarylacetoacetase; FAH DEFICIENCY; HEPATORENAL TYROSINEMIA. Identifiers: Orphanet 882, MedGen C0268490, MONDO:0010161, OMIM 276700. Disease mechanism: loss of function.

Submissions (3):

Fulgent Genetics
Classification: Likely pathogenic for Tyrosinemia type I. Last evaluated: 2024-05-02. Review status: criteria provided, single submitter. Criteria: ACMG Guidelines, 2015. Collection method: clinical testing. Allele origin: germline.

Labcorp Genetics (formerly Invitae), Labcorp
Classification: Pathogenic for Tyrosinemia type I. Last evaluated: 2024-01-02. Review status: criteria provided, single submitter. Criteria: Invitae Variant Classification Sherloc (09022015). Collection method: clinical testing. Allele origin: germline.
Comment: This sequence change creates a premature translational stop signal (p.Gln110*) in the FAH gene. It is expected to result in an absent or disrupted protein product. Loss-of-function variants in FAH are known to be pathogenic (PMID: 9101289, 9633815). This variant is not present in population databases (gnomAD no frequency). This premature translational stop signal has been observed in individual(s) with tyrosinemia (PMID: 28039895). ClinVar contains an entry for this variant (Variation ID: 1299350). For these reasons, this variant has been classified as Pathogenic.

Genetic Diagnostics Department, Viafet Genomics Laboratory
Classification: Likely pathogenic for Tyrosinemia type I. Last evaluated: 2021-08-05. Review status: criteria provided, single submitter. Criteria: ACMG Guidelines, 2015. Collection method: clinical testing. Allele origin: germline. Inheritance: Autosomal recessive inheritance. Affected: no. Observed: 1 variant allele, 1 heterozygote.
Comment: This variant is present in exon 4/14 in a position that is conserved across all transcripts of this gene (3/3). Several loss-of-function variants are reported as disease-causing in HGMD and/or ClinVar after this position. In addition, this variant has been identified in a homozygous state in two patients affected with Tyrosinemia type 1 (PMID: 28039895).

Literature cited by the submitters: PubMed 9101289 (cited by Labcorp Genetics (formerly Invitae), Labcorp); PubMed 9633815 (cited by Labcorp Genetics (formerly Invitae), Labcorp); PubMed 28039895 (cited by Labcorp Genetics (formerly Invitae), Labcorp and Genetic Diagnostics Department, Viafet Genomics Laboratory).

NM_000137.4(FAH):c.328C>T (p.Gln110Ter)

Genes: FAH (fumarylacetoacetate hydrolase; plus strand), LOC112272621 (Sharpr-MPRA regulatory region 12283; plus strand). Cytogenetic location: 15q25.1.
Variant type: single nucleotide variant.
Coding change: c.328C>T on transcript NM_000137.4 (MANE Select); coding-DNA position 328, C replaced by T.
Protein change: p.Gln110Ter; replaces glutamine 110 with a stop codon.
Molecular consequence: nonsense.
Genome position (GRCh38, 1-based): chr15:80,160,423, C>T. VCF-style: chr15-80160423-C-T. GRCh37 (hg19) VCF-style: chr15-80452765-C-T.
Other names: c.328C>T, p.Gln110Ter (NM_001374377.1, NM_001374380.1); short protein forms Q110*.
Identifiers: ClinVar variation 1299350 (VCV001299350.8), dbSNP rs754444882, ClinGen allele CA393619221.